The following is an entry in ClinVar:

ClinVar aggregate classification (germline): Pathogenic/Likely pathogenic. Review status: criteria provided, multiple submitters, no conflicts (2 of 4 stars). 8 submissions from 8 submitters: Pathogenic (6); Likely pathogenic (1). 1 of the submissions does not count toward it. Last evaluated 2025-12-22.

Conditions:
HYPERHOMOCYSTEINEMIA, THROMBOTIC, CBS-RELATED. Identifiers: MedGen C3150344, OMIM 236200.
Homocystinuria. Identifiers: MedGen C0019880, MONDO:0004737, HP:0002156.
Classic homocystinuria. Also called: Homocystinuria due to Cystathionine Beta-Synthase Deficiency; Homocystinuria due to CBS deficiency; Cystathionine beta-synthase deficiency; CBS deficiency; HOMOCYSTINURIA WITH OR WITHOUT RESPONSE TO PYRIDOXINE. Identifiers: Orphanet 394, MedGen C0751202, MONDO:0009352, OMIM 236200.

Allele frequency attached by ClinVar (database versions not stated): ExAC 0.00001; gnomAD exomes 0.00001.

Submissions (8):

Natera, Inc.
Classification: Likely pathogenic for Homocystinuria due to cystathionine beta-synthase deficiency. Last evaluated: 2025-12-22. Review status: criteria provided, single submitter. Criteria: Natera Variant Classification Schema (03/2026). Collection method: clinical testing. Allele origin: germline.
Comment: The c.1007G>A variant in CBS is a missense variant predicted to cause substitution of arginine to histidine at amino acid 336. This variant is rare in the general population with a frequency below the threshold expected for the associated phenotype(s). This variant has been observed in one or more individuals affected with the associated recessive disease, as either homozygous or compound heterozygous with a second variant (PMID: 27243974, 25218699, 23974653, 36065636). This variant has been observed to segregate in affected family members (PMID: 9870207). A different variant at the same position has been determined to be Pathogenic or Likely Pathogenic. Computational prediction algorithms indicate this variant is likely to affect gene or protein function. Given the available evidence, this variant is classified as Likely Pathogenic.

First Genomix Gene Laboratory, Genetic Diagnostics Department
Classification: Pathogenic for Classic homocystinuria. Last evaluated: 2025-03-18. Review status: criteria provided, single submitter. Criteria: ACMG Guidelines, 2015. Collection method: clinical testing. Allele origin: germline. Inheritance: Autosomal recessive inheritance. Affected: no. Observed: 1 variant allele.

Baylor Genetics
Classification: Pathogenic for Classic homocystinuria. Last evaluated: 2024-01-02. Review status: criteria provided, single submitter. Criteria: ACMG Guidelines, 2015. Collection method: clinical testing. Allele origin: unknown.

Daryl Scott Lab, Baylor College of Medicine
Classification: Pathogenic for Classic homocystinuria. Last evaluated: 2024-01-01. Review status: criteria provided, single submitter. Criteria: ACMG Guidelines, 2015. Collection method: clinical testing. Allele origin: biparental. Affected: yes. Observed: 1 homozygote.
Comment: PS3, PS4, PP3

Labcorp Genetics (formerly Invitae), Labcorp
Classification: Pathogenic for HYPERHOMOCYSTEINEMIA, THROMBOTIC, CBS-RELATED. Last evaluated: 2023-11-27. Review status: criteria provided, single submitter. Criteria: Invitae Variant Classification Sherloc (09022015). Collection method: clinical testing. Allele origin: germline.
Comment: This sequence change replaces arginine, which is basic and polar, with histidine, which is basic and polar, at codon 336 of the CBS protein (p.Arg336His). The frequency data for this variant in the population databases is considered unreliable, as metrics indicate poor data quality at this position in the gnomAD database. This missense change has been observed in individual(s) with homocystinuria (PMID: 9870207, 23974653, 25218699). ClinVar contains an entry for this variant (Variation ID: 371147). Advanced modeling of protein sequence and biophysical properties (such as structural, functional, and spatial information, amino acid conservation, physicochemical variation, residue mobility, and thermodynamic stability) performed at Invitae indicates that this missense variant is expected to disrupt CBS protein function with a positive predictive value of 95%. Experimental studies have shown that this missense change affects CBS function (PMID: 16429402, 22267502, 23974653). For these reasons, this variant has been classified as Pathogenic.

Women's Health and Genetics/Laboratory Corporation of America, LabCorp
Classification: Pathogenic for Homocystinuria. Last evaluated: 2021-08-08. Review status: criteria provided, single submitter. Criteria: LabCorp Variant Classification Summary - May 2015. Collection method: clinical testing. Allele origin: germline.
Comment: Variant summary: CBS c.1007G>A (p.Arg336His) results in a non-conservative amino acid change located in the Pyridoxal-phosphate dependent enzyme domain (IPR001926) of the encoded protein sequence. Five of five in-silico tools predict a damaging effect of the variant on protein function. The variant allele was found at a frequency of 1.2e-05 in 250592 control chromosomes. c.1007G>A has been reported in the literature in multiple individuals affected with B6 responsive Homocystinuria (example, Coude_1998, Mendes_2013, Alcaide_2015). These data indicate that the variant is very likely to be associated with disease. At least one publication reports experimental evidence evaluating an impact on protein function. The most pronounced variant effect results in 0.43% of normal CBS enzyme activity in an E. Coli based in-vitro system expressing mutant CBS proteins (Mendes_2014). Authors suggested misfolding and accelerated degradation as contributing to the mechanism of disease. Four clinical diagnostic laboratories have submitted clinical-significance assessments for this variant to ClinVar after 2014 without evidence for independent evaluation. All laboratories classified the variant as pathogenic (n=3)/likely pathogenic (n=1). Based on the evidence outlined above, the variant was classified as pathogenic.

Clinical Genetics Service, Universitary Hospital 12 de Octubre
Classification: Pathogenic for Classic homocystinuria. Review status: criteria provided, single submitter. Criteria: ACMG Guidelines, 2015. Collection method: clinical testing. Allele origin: maternal. Affected: yes.

Counsyl
Classification: Likely pathogenic for Classic homocystinuria. Last evaluated: 2016-07-14. Review status: no assertion criteria provided. Collection method: clinical testing. Allele origin: unknown. Not counted in ClinVar's aggregate classification.

Literature cited by the submitters: PubMed 27243974 (cited by Natera, Inc.); PubMed 25218699 (cited by 4 submitters); PubMed 23974653 (cited by 4 submitters); PubMed 36065636 (cited by Natera, Inc.); PubMed 9870207 (cited by 4 submitters); PubMed 16429402 (cited by 3 submitters); PubMed 22267502 (cited by Labcorp Genetics (formerly Invitae), Labcorp and Women's Health and Genetics/Laboratory Corporation of America, LabCorp); PubMed 26464485 (cited by Counsyl); PubMed 24613005 (cited by Counsyl); PubMed 18280597 (cited by Counsyl).

NM_000071.3(CBS):c.1007G>A (p.Arg336His)

Gene: CBS (cystathionine beta-synthase; minus strand). Cytogenetic location: 21q22.3.
Variant type: single nucleotide variant.
Coding change: c.1007G>A on transcript NM_000071.3 (MANE Select); coding-DNA position 1007, G replaced by A.
Protein change: p.Arg336His; replaces arginine 336 with histidine.
Molecular consequence: missense variant.
Genome position (GRCh38, 1-based): chr21:43,062,343, C>T on the plus strand (G>A on the coding strand, the complement: CBS is on the minus strand). VCF-style: chr21-43062343-C-T. GRCh37 (hg19) VCF-style: chr21-44482453-C-T.
Other names: c.1007G>A, p.Arg336His (NM_001178008.3, NM_001178009.3, NM_001320298.2); c.692G>A, p.Arg231His (NM_001321072.1); short protein forms R336H, R231H.
Identifiers: ClinVar variation 371147 (VCV000371147.19), dbSNP rs760417941, ClinGen allele CA16041997.